The following is an entry in ClinVar:

NM_002609.4(PDGFRB):c.2357C>T (p.Thr786Ile)

Gene: PDGFRB (platelet derived growth factor receptor beta; minus strand). Cytogenetic location: 5q32.
Variant type: single nucleotide variant.
Coding change: c.2357C>T on transcript NM_002609.4 (MANE Select); coding-DNA position 2357, C replaced by T.
Protein change: p.Thr786Ile; replaces threonine 786 with isoleucine.
Molecular consequence: missense variant.
Genome position (GRCh38, 1-based): chr5:150,121,310, G>A on the plus strand (C>T on the coding strand, the complement: PDGFRB is on the minus strand). VCF-style: chr5-150121310-G-A. GRCh37 (hg19) VCF-style: chr5-149500873-G-A.
Other names: c.2165C>T, p.Thr722Ile (NM_001355016.2); c.1874C>T, p.Thr625Ile (NM_001355017.2); short protein forms T625I, T722I, T786I.
Identifiers: ClinVar variation 3753575 (VCV003753575.2).

ClinVar aggregate classification (germline): Uncertain significance (1 of 4 stars; one submission).

Conditions:
Skeletal overgrowth-craniofacial dysmorphism-hyperelastic skin-white matter lesions syndrome. Also called: SKELETAL OVERGROWTH WITH FACIAL DYSMORPHISM, HYPERELASTIC SKIN, WHITE MATTER LESIONS, AND NEUROLOGIC DETERIORATION; Kosaki overgrowth syndrome. Identifiers: Orphanet 477831, MedGen C4225270, MONDO:0014704, OMIM 616592.
Infantile myofibromatosis (IMF). Also called: Congenital generalized fibromatosis. Identifiers: Orphanet 2591, MedGen C0432284, MONDO:0016824.
Basal ganglia calcification, idiopathic, 4 (PFBC4). Also called: Familial Idiopathic Basal Ganglia Calcification 4; PRIMARY FAMILIAL BRAIN CALCIFICATION 4, AUTOSOMAL DOMINANT. Identifiers: Orphanet 1980, MedGen C3554321, MONDO:0014004, OMIM 615007.
Acroosteolysis-keloid-like lesions-premature aging syndrome. Also called: Premature aging syndrome, Penttinen type; Prematurely aged appearance, delayed bone maturation, acro-osteolysis, and brachydactyly; Progeroid syndrome, Penttinen type. Identifiers: Orphanet 363665, MedGen C1866182, MONDO:0011150, OMIM 601812.

Submission:

Labcorp Genetics (formerly Invitae), Labcorp
Classification: Uncertain significance for Basal ganglia calcification, idiopathic, 4; Skeletal overgrowth-craniofacial dysmorphism-hyperelastic skin-white matter lesions syndrome; Infantile myofibromatosis; Acroosteolysis-keloid-like lesions-premature aging syndrome. Last evaluated: 2024-10-08. Review status: criteria provided, single submitter. Criteria: Invitae Variant Classification Sherloc (09022015). Collection method: clinical testing. Allele origin: germline.
Comment: This sequence change replaces threonine, which is neutral and polar, with isoleucine, which is neutral and non-polar, at codon 786 of the PDGFRB protein (p.Thr786Ile). This variant is not present in population databases (gnomAD no frequency). This variant has not been reported in the literature in individuals affected with PDGFRB-related conditions. Invitae Evidence Modeling of protein sequence and biophysical properties (such as structural, functional, and spatial information, amino acid conservation, physicochemical variation, residue mobility, and thermodynamic stability) indicates that this missense variant is not expected to disrupt PDGFRB protein function with a negative predictive value of 80%. In summary, the available evidence is currently insufficient to determine the role of this variant in disease. Therefore, it has been classified as a Variant of Uncertain Significance.